The following is an entry in ClinVar:

NM_001361.5(DHODH):c.*14C>T

Genes: DHODH (dihydroorotate dehydrogenase (quinone); plus strand), LOC126862390 (MED14-independent group 3 enhancer GRCh37_chr16:72057307-72058506; plus strand). Cytogenetic location: 16q22.2.
Variant type: single nucleotide variant.
Coding change: c.*14C>T on transcript NM_001361.5 (MANE Select); 14 bases downstream of the stop codon, C replaced by T.
Molecular consequence: 3 prime UTR variant.
Genome position (GRCh38, 1-based): chr16:72,024,213, C>T. VCF-style: chr16-72024213-C-T. GRCh37 (hg19) VCF-style: chr16-72058112-C-T.
Identifiers: ClinVar variation 320441 (VCV000320441.5), dbSNP rs370049658, ClinGen allele CA8158895.

ClinVar aggregate classification (germline): Likely benign (1 of 4 stars; one submission).

Conditions:
Miller syndrome (POADS). Also called: GENEE-WIEDEMANN SYNDROME; Genee-Wiedemann acrofacial dysostosis. Identifiers: Orphanet 246, MedGen C0265257, MONDO:0009903, OMIM 263750.

Allele frequency attached by ClinVar (database versions not stated): gnomAD exomes 0.00010 and 0.00038; gnomAD 0.00011; ESP Exome Variant Server 0.00016; TOPMed 0.00025; ExAC 0.00047.
gnomAD v4.1: 158 of 1,613,840 alleles (0.0098%); highest among the groups gnomAD compares: Admixed American, 0.15%; no homozygotes.

Submission:

Illumina Laboratory Services, Illumina
Classification: Likely benign for Miller syndrome. Last evaluated: 2018-01-12. Review status: criteria provided, single submitter. Criteria: ICSL Variant Classification Criteria 13 December 2019. Collection method: clinical testing. Allele origin: germline.
Comment: This variant was observed in the ICSL laboratory as part of a predisposition screen in an ostensibly healthy population. It had not been previously curated by ICSL or reported in the Human Gene Mutation Database (HGMD: prior to June 1st, 2018), and was therefore a candidate for classification through an automated scoring system. Utilizing variant allele frequency, disease prevalence and penetrance estimates, and inheritance mode, an automated score was calculated to assess if this variant is too frequent to cause the disease. Based on the score and internal cut-off values, a variant classified as likely benign is not then subjected to further curation. The score for this variant resulted in a classification of likely benign for this disease.